The following is an entry in ClinVar:

NM_182961.4(SYNE1):c.22979G>A (p.Arg7660Gln)

Gene: SYNE1 (spectrin repeat containing nuclear envelope protein 1; minus strand). Cytogenetic location: 6q25.2.
Variant type: single nucleotide variant.
Coding change: c.22979G>A on transcript NM_182961.4 (MANE Select); coding-DNA position 22979, G replaced by A.
Protein change: p.Arg7660Gln; replaces arginine 7660 with glutamine.
Molecular consequence: missense variant.
Genome position (GRCh38, 1-based): chr6:152,206,208, C>T on the plus strand (G>A on the coding strand, the complement: SYNE1 is on the minus strand). VCF-style: chr6-152206208-C-T. GRCh37 (hg19) VCF-style: chr6-152527343-C-T.
Other names: c.22766G>A, p.Arg7589Gln (NM_033071.5); short protein forms R7589Q, R7660Q.
Identifiers: ClinVar variation 1408066 (VCV001408066.6), dbSNP rs1461427417, ClinGen allele CA366094658.

ClinVar aggregate classification (germline): Uncertain significance. Review status: criteria provided, multiple submitters, no conflicts (2 of 4 stars). 2 submissions from 2 submitters: Uncertain significance (2). Last evaluated 2024-02-05.

Conditions:
Emery-Dreifuss muscular dystrophy 4, autosomal dominant (EDMD4). Also called: EMERY-DREIFUSS MUSCULAR DYSTROPHY 4 WITH VARIABLE FEATURES. Identifiers: Orphanet 261, MedGen C2751807, MONDO:0013071, OMIM 612998.
Autosomal recessive ataxia, Beauce type. Also called: SYNE1-Related Autosomal Recessive Cerebellar Ataxia; Spinocerebellar ataxia, autosomal recessive 8; ATAXIA, RECESSIVE, OF BEAUCE; SYNE1 Deficiency. Identifiers: Orphanet 88644, MedGen C1853116, MONDO:0012549, OMIM 610743.

Allele frequency attached by ClinVar (database versions not stated): gnomAD exomes 0.00001; gnomAD 0.00002; TOPMed 0.00003.
gnomAD v4.1: 12 of 1,613,634 alleles (0.00074%); highest among the groups gnomAD compares: African/African-American, 0.0053%; no homozygotes.

Submissions (2):

Labcorp Genetics (formerly Invitae), Labcorp
Classification: Uncertain significance for Emery-Dreifuss muscular dystrophy 4, autosomal dominant; Autosomal recessive ataxia, Beauce type. Last evaluated: 2024-02-05. Review status: criteria provided, single submitter. Criteria: Invitae Variant Classification Sherloc (09022015). Collection method: clinical testing. Allele origin: germline.
Comment: This sequence change replaces arginine, which is basic and polar, with glutamine, which is neutral and polar, at codon 7589 of the SYNE1 protein (p.Arg7589Gln). This variant is present in population databases (no rsID available, gnomAD 0.006%). This variant has not been reported in the literature in individuals affected with SYNE1-related conditions. ClinVar contains an entry for this variant (Variation ID: 1408066). An algorithm developed to predict the effect of missense changes on protein structure and function (PolyPhen-2) suggests that this variant is likely to be tolerated. In summary, the available evidence is currently insufficient to determine the role of this variant in disease. Therefore, it has been classified as a Variant of Uncertain Significance.

Breakthrough Genomics
Classification: Uncertain significance. Review status: criteria provided, single submitter. Criteria: ACMG Guidelines, 2015. Collection method: not provided. Allele origin: germline. Inheritance: Autosomal recessive inheritance. Affected: yes.